The following is an entry in ClinVar:

ClinVar aggregate classification (germline): Uncertain significance. Review status: criteria provided, single submitter (1 of 4 stars). 2 submissions from 2 submitters: Uncertain significance (1). 1 of the submissions does not count toward it. Last evaluated 2025-02-02.

Conditions:
USP9X-related disorder. Also called: USP9X-related condition.

Allele frequency attached by ClinVar (database versions not stated): gnomAD exomes below 0.00001.
gnomAD v4.1: 1 of 1,209,469 alleles (0.000083%); highest among the groups gnomAD compares: Non-Finnish European, 0.00011%; no homozygotes.

Submissions (2):

Labcorp Genetics (formerly Invitae), Labcorp
Classification: Uncertain significance. Last evaluated: 2025-02-02. Review status: criteria provided, single submitter. Criteria: Invitae Variant Classification Sherloc (09022015). Collection method: clinical testing. Allele origin: germline.
Comment: This sequence change replaces asparagine, which is neutral and polar, with serine, which is neutral and polar, at codon 1275 of the USP9X protein (p.Asn1275Ser). This variant is not present in population databases (gnomAD no frequency). This variant has not been reported in the literature in individuals affected with USP9X-related conditions. ClinVar contains an entry for this variant (Variation ID: 3032214). An algorithm developed to predict the effect of missense changes on protein structure and function outputs the following: PolyPhen-2: "Benign". The serine amino acid residue is found in multiple mammalian species, which suggests that this missense change does not adversely affect protein function. In summary, the available evidence is currently insufficient to determine the role of this variant in disease. Therefore, it has been classified as a Variant of Uncertain Significance.

PreventionGenetics, part of Exact Sciences
Classification: Uncertain significance for USP9X-related condition. Last evaluated: 2023-12-26. Review status: no assertion criteria provided. Collection method: clinical testing. Allele origin: germline. Not counted in ClinVar's aggregate classification.
Comment: The USP9X c.3824A>G variant is predicted to result in the amino acid substitution p.Asn1275Ser. To our knowledge, this variant has not been reported in the literature or in a large population database, indicating this variant is rare. At this time, the clinical significance of this variant is uncertain due to the absence of conclusive functional and genetic evidence.

NM_001039591.3(USP9X):c.3824A>G (p.Asn1275Ser)

Gene: USP9X (ubiquitin specific peptidase 9 X-linked; plus strand). Cytogenetic location: Xp11.4.
Variant type: single nucleotide variant.
Coding change: c.3824A>G on transcript NM_001039591.3 (MANE Select); coding-DNA position 3824, A replaced by G.
Protein change: p.Asn1275Ser; replaces asparagine 1275 with serine.
Molecular consequence: missense variant.
Genome position (GRCh38, 1-based): chrX:41,189,322, A>G. VCF-style: chrX-41189322-A-G. GRCh37 (hg19) VCF-style: chrX-41048575-A-G.
Other names: c.3824A>G, p.Asn1275Ser (NM_001039590.3); c.3839A>G, p.Asn1280Ser (NM_001410748.1, NM_001410749.1); short protein forms N1275S, N1280S.
Identifiers: ClinVar variation 3032214 (VCV003032214.3), dbSNP rs2519283816, ClinGen allele CA412768799.
Genomic context (GRCh38, chrX:41,189,322, plus strand): 5'-TCTTAAATACTTCTTTGGGTAATTTGTTCTTGATTGTAATTTTACAGACCAATGCAGGCA[A>G]TGAGCCAGACTTGGAAGACGAACAGGTTTGCTGTGAAGCATTGGAAGTGATGACCTTATG-3'
Protein context (NP_001034680.2, residues 1265-1285): TKIYEKTNAG[Asn1275Ser]EPDLEDEQVC